The following is an entry in ClinVar:

ClinVar aggregate classification (germline): Uncertain significance. Review status: criteria provided, multiple submitters, no conflicts (2 of 4 stars). 2 submissions from 2 submitters: Uncertain significance (2). Last evaluated 2025-10-22.

Conditions:
Imerslund-Grasbeck syndrome. Also called: Imerslund-Gräsbeck syndrome; Megaloblastic anemia due to inborn errors of metabolism; PERNICIOUS ANEMIA, JUVENILE, DUE TO SELECTIVE INTESTINAL MALABSORPTION OF VITAMIN B12, WITH PROTEINURIA; ENTEROCYTE COBALAMIN MALABSORPTION; ENTEROCYTE INTRINSIC FACTOR RECEPTOR, DEFECT OF. Identifiers: Orphanet 35858, MedGen C4551825, MONDO:0009853.

Allele frequency attached by ClinVar (database versions not stated): gnomAD 0.00001; gnomAD exomes 0.00001; TOPMed 0.00002; ESP Exome Variant Server 0.00008.
gnomAD v4.1: 11 of 1,612,314 alleles (0.00068%); highest among the groups gnomAD compares: African/African-American, 0.0013%; no homozygotes.

Submissions (2):

GeneDx
Classification: Uncertain significance. Last evaluated: 2025-10-22. Review status: criteria provided, single submitter. Criteria: GeneDx Variant Classification Process June 2021. Collection method: clinical testing. Allele origin: germline. Affected: yes.
Comment: Not observed at significant frequency in large population cohorts (gnomAD); In silico analysis supports that this missense variant has a deleterious effect on protein structure/function; Has not been previously published as pathogenic or benign to our knowledge

Labcorp Genetics (formerly Invitae), Labcorp
Classification: Uncertain significance for Imerslund-Grasbeck syndrome. Last evaluated: 2022-07-05. Review status: criteria provided, single submitter. Criteria: Invitae Variant Classification Sherloc (09022015). Collection method: clinical testing. Allele origin: germline.
Comment: This sequence change replaces leucine, which is neutral and non-polar, with proline, which is neutral and non-polar, at codon 2523 of the CUBN protein (p.Leu2523Pro). This variant is present in population databases (rs145347743, gnomAD 0.002%). This variant has not been reported in the literature in individuals affected with CUBN-related conditions. ClinVar contains an entry for this variant (Variation ID: 1315687). Algorithms developed to predict the effect of missense changes on protein structure and function are either unavailable or do not agree on the potential impact of this missense change (SIFT: "Deleterious"; PolyPhen-2: "Probably Damaging"; Align-GVGD: "Class C0"). In summary, the available evidence is currently insufficient to determine the role of this variant in disease. Therefore, it has been classified as a Variant of Uncertain Significance.

NM_001081.4(CUBN):c.7568T>C (p.Leu2523Pro)

Gene: CUBN (cubilin; minus strand). Cytogenetic location: 10p13.
Variant type: single nucleotide variant.
Coding change: c.7568T>C on transcript NM_001081.4 (MANE Select); coding-DNA position 7568, T replaced by C.
Protein change: p.Leu2523Pro; replaces leucine 2523 with proline.
Molecular consequence: missense variant.
Genome position (GRCh38, 1-based): chr10:16,907,645, A>G on the plus strand (T>C on the coding strand, the complement: CUBN is on the minus strand). VCF-style: chr10-16907645-A-G. GRCh37 (hg19) VCF-style: chr10-16949644-A-G.
Other names: short protein forms L2523P.
Identifiers: ClinVar variation 1315687 (VCV001315687.9), dbSNP rs145347743, ClinGen allele CA203564319.